The following is an entry in ClinVar:

ClinVar aggregate classification (germline): Likely pathogenic (1 of 4 stars; one submission).

Conditions:
Neurodegeneration with ataxia, dystonia, and gaze palsy, childhood-onset (NADGP). Identifiers: MedGen C4310693, MONDO:0014940, OMIM 617145.

Submission:

First Genomix Gene Laboratory, Genetic Diagnostics Department
Classification: Likely pathogenic for Neurodegeneration with ataxia, dystonia, and gaze palsy, childhood-onset. Last evaluated: 2025-03-14. Review status: criteria provided, single submitter. Criteria: ACMG Guidelines, 2015. Collection method: clinical testing. Allele origin: germline. Inheritance: Autosomal recessive inheritance. Affected: no. Observed: 1 variant allele.

NM_003900.5(SQSTM1):c.247_248insA (p.Leu83fs)

Gene: SQSTM1 (sequestosome 1; plus strand). Cytogenetic location: 5q35.3.
Variant type: Insertion.
Coding change: c.247_248insA on transcript NM_003900.5 (MANE Select); coding-DNA positions 247 to 248, A inserted.
Protein change: p.Leu83fs; shifts the reading frame from leucine 83.
Molecular consequence: frameshift variant. On other transcripts: 5 prime UTR variant (2).
Genome position: GRCh38 VCF-style: chr5-179822999-T-TA. GRCh37 (hg19) VCF-style: chr5-179249999-T-TA.
Other names: c.-6_-5insA (NM_001142298.2, NM_001142299.2); short protein forms L83fs.
Identifiers: ClinVar variation 4845868 (VCV004845868.1).